The following is an entry in ClinVar:

ClinVar aggregate classification (germline): Uncertain significance. Review status: criteria provided, multiple submitters, no conflicts (2 of 4 stars). 2 submissions from 2 submitters: Uncertain significance (2). Last evaluated 2024-05-23.

Conditions:
Lysinuric protein intolerance (LPI). Identifiers: Orphanet 470, MedGen C0268647, MONDO:0009109, OMIM 222700.

Allele frequency attached by ClinVar (database versions not stated): gnomAD exomes 0.00001; TOPMed 0.00002; gnomAD 0.00003.
gnomAD v4.1: 16 of 1,614,004 alleles (0.00099%); highest among the groups gnomAD compares: East Asian, 0.022%; no homozygotes.

Submissions (2):

Fulgent Genetics
Classification: Uncertain significance for Lysinuric protein intolerance. Last evaluated: 2024-05-23. Review status: criteria provided, single submitter. Criteria: ACMG Guidelines, 2015. Collection method: clinical testing. Allele origin: germline.

Labcorp Genetics (formerly Invitae), Labcorp
Classification: Uncertain significance for Lysinuric protein intolerance. Last evaluated: 2022-06-22. Review status: criteria provided, single submitter. Criteria: Invitae Variant Classification Sherloc (09022015). Collection method: clinical testing. Allele origin: germline.
Comment: This sequence change replaces valine, which is neutral and non-polar, with isoleucine, which is neutral and non-polar, at codon 200 of the SLC7A7 protein (p.Val200Ile). This variant is present in population databases (no rsID available, gnomAD 0.04%). This variant has not been reported in the literature in individuals affected with SLC7A7-related conditions. Algorithms developed to predict the effect of missense changes on protein structure and function output the following: SIFT: "Tolerated"; PolyPhen-2: "Benign"; Align-GVGD: "Class C0". The isoleucine amino acid residue is found in multiple mammalian species, which suggests that this missense change does not adversely affect protein function. In summary, the available evidence is currently insufficient to determine the role of this variant in disease. Therefore, it has been classified as a Variant of Uncertain Significance.

NM_003982.4(SLC7A7):c.598G>A (p.Val200Ile)

Gene: SLC7A7 (solute carrier family 7 member 7; minus strand). Cytogenetic location: 14q11.2.
Variant type: single nucleotide variant.
Coding change: c.598G>A on transcript NM_003982.4 (MANE Select); coding-DNA position 598, G replaced by A.
Protein change: p.Val200Ile; replaces valine 200 with isoleucine.
Molecular consequence: missense variant.
Genome position (GRCh38, 1-based): chr14:22,779,953, C>T on the plus strand (G>A on the coding strand, the complement: SLC7A7 is on the minus strand). VCF-style: chr14-22779953-C-T. GRCh37 (hg19) VCF-style: chr14-23249162-C-T.
Other names: c.598G>A, p.Val200Ile (NM_001126105.3, NM_001126106.4); short protein forms V200I.
Identifiers: ClinVar variation 2201899 (VCV002201899.2), dbSNP rs1464272683, ClinGen allele CA388924243.